The following is an entry in ClinVar:

ClinVar aggregate classification (germline): Uncertain significance (1 of 4 stars; one submission).

Conditions:
Peroxisome biogenesis disorder, complementation group 7 (CG7). Also called: Peroxisome biogenesis disorder, complementation group B. Identifiers: MedGen C1864399.

Submission:

Labcorp Genetics (formerly Invitae), Labcorp
Classification: Uncertain significance for Peroxisome biogenesis disorder, complementation group 7. Last evaluated: 2022-02-05. Review status: criteria provided, single submitter. Criteria: Invitae Variant Classification Sherloc (09022015). Collection method: clinical testing. Allele origin: germline.
Comment: This variant, c.9_17del, results in the deletion of 3 amino acid(s) of the PEX10 protein (p.Ala4_Ala6del), but otherwise preserves the integrity of the reading frame. This variant is not present in population databases (gnomAD no frequency). This variant has not been reported in the literature in individuals affected with PEX10-related conditions. Experimental studies and prediction algorithms are not available or were not evaluated, and the functional significance of this variant is currently unknown. In summary, the available evidence is currently insufficient to determine the role of this variant in disease. Therefore, it has been classified as a Variant of Uncertain Significance.

NM_002617.4(PEX10):c.9_17del (p.Ala4_Ala6del)

Gene: PEX10 (peroxisomal biogenesis factor 10; minus strand). Cytogenetic location: 1p36.32.
Variant type: Deletion.
Coding change: c.9_17del on transcript NM_002617.4 (MANE Select); coding-DNA positions 9 to 17, 9 bases deleted (GGCCGCCGC; older notation c.9_17delGGCCGCCGC).
Protein change: p.Ala4_Ala6del.
Molecular consequence: inframe deletion. On other transcripts: intron variant (2).
Genome position (GRCh38, 1-based): chr1:2,412,486-2,412,494, GCGGCGGCC deleted on the plus strand (GGCCGCCGC on the coding strand, the reverse complement: PEX10 is on the minus strand); deleting any 9 consecutive bases within chr1:2,412,486-2,412,495 gives the same sequence; the c. name uses the placement nearest the transcript's 3' end. VCF-style (leftmost placement, unchanged base first): chr1-2412485-GGCGGCGGCC-G. GRCh37 (hg19) VCF-style: chr1-2343924-GGCGGCGGCC-G.
Other names: c.9_17del, p.Ala4_Ala6del (NM_001374425.1, NM_153818.2); c.-321+1103_-321+1111del (NM_001374427.1, NM_001374426.1).
Identifiers: ClinVar variation 1494779 (VCV001494779.8), dbSNP rs2100441672, ClinGen allele CA2573131887.